The following is an entry in ClinVar:

ClinVar aggregate classification (germline): Likely pathogenic (0 of 4 stars; one submission).

Conditions:
Diastrophic dysplasia (DTD). Also called: Diastrophic dwarfism. Identifiers: Orphanet 628, MedGen C0220726, MONDO:0009107, OMIM 222600.

Allele frequency attached by ClinVar (database versions not stated): gnomAD 0.00001; gnomAD exomes 0.00001; TOPMed 0.00002.
gnomAD v4.1: 6 of 1,614,002 alleles (0.00037%); highest among the groups gnomAD compares: African/African-American, 0.004%; no homozygotes.

Submission:

Juha Muilu Group; Institute for Molecular Medicine Finland (FIMM)
Classification: Likely pathogenic for Diastrophic dysplasia. Review status: no assertion criteria provided. Collection method: not provided. Allele origin: unknown.
Comment: FinDis database variant: This variant was not found or characterized by our laboratory, data were collected from public sources: see reference
ClinVar note: Converted during submission from probable-pathogenic to Likely pathogenic.

NM_000112.4(SLC26A2):c.1451G>A (p.Gly484Asp)

Gene: SLC26A2 (solute carrier family 26 member 2; plus strand). Cytogenetic location: 5q32.
Variant type: single nucleotide variant.
Coding change: c.1451G>A on transcript NM_000112.4 (MANE Select); coding-DNA position 1451, G replaced by A.
Protein change: p.Gly484Asp; replaces glycine 484 with aspartic acid.
Molecular consequence: missense variant.
Genome position (GRCh38, 1-based): chr5:149,981,044, G>A. VCF-style: chr5-149981044-G-A. GRCh37 (hg19) VCF-style: chr5-149360607-G-A.
Other names: short protein forms G484D.
Identifiers: ClinVar variation 56015 (VCV000056015.2), dbSNP rs386833496, ClinGen allele CA263252.